The following is an entry in ClinVar:

ClinVar aggregate classification (germline): Uncertain significance (0 of 4 stars; one submission).

Conditions:
SRCAP-related disorder. Also called: SRCAP-related condition.

gnomAD v4.1: 10 of 1,614,062 alleles (0.00062%); highest among the groups gnomAD compares: Middle Eastern, 0.049%; no homozygotes.

Submission:

PreventionGenetics, part of Exact Sciences
Classification: Uncertain significance for SRCAP-related condition. Last evaluated: 2024-08-19. Review status: no assertion criteria provided. Collection method: clinical testing. Allele origin: germline.
Comment: The SRCAP c.2881G>A variant is predicted to result in the amino acid substitution p.Asp961Asn. To our knowledge, this variant has not been reported in the literature. This variant is reported in 0.0029% of alleles in individuals of Latino descent in gnomAD. At this time, the clinical significance of this variant is uncertain due to the absence of conclusive functional and genetic evidence.

NM_006662.3(SRCAP):c.2881G>A (p.Asp961Asn)

Gene: SRCAP (Snf2 related CREBBP activator protein; plus strand). Cytogenetic location: 16p11.2.
Variant type: single nucleotide variant.
Coding change: c.2881G>A on transcript NM_006662.3 (MANE Select); coding-DNA position 2881, G replaced by A.
Protein change: p.Asp961Asn; replaces aspartic acid 961 with asparagine.
Molecular consequence: missense variant.
Genome position (GRCh38, 1-based): chr16:30,720,225, G>A. VCF-style: chr16-30720225-G-A. GRCh37 (hg19) VCF-style: chr16-30731546-G-A.
Other names: short protein forms D961N.
Identifiers: ClinVar variation 3348211 (VCV003348211.1).
Genomic context (GRCh38, chr16:30,720,225, plus strand): 5'-ATAGACATGGGTCGATTTGACCTTATTGGCCTGGAAGGTCGTGTCTCTCGATATGAGGCA[G>A]ACACATTTCTGCCCCGGCACCGCCTCTCTCGCCGGGTACTGTTAGAAGTGGCTACTGCTC-3'
Protein context (NP_006653.2, residues 951-971): LEGRVSRYEA[Asp961Asn]TFLPRHRLSR